The following is an entry in ClinVar:

NM_170606.3(KMT2C):c.7229A>G (p.Asp2410Gly)

Gene: KMT2C (lysine methyltransferase 2C; minus strand). Cytogenetic location: 7q36.1.
Variant type: single nucleotide variant.
Coding change: c.7229A>G on transcript NM_170606.3 (MANE Select); coding-DNA position 7229, A replaced by G.
Protein change: p.Asp2410Gly; replaces aspartic acid 2410 with glycine.
Molecular consequence: missense variant.
Genome position (GRCh38, 1-based): chr7:152,180,047, T>C on the plus strand (A>G on the coding strand, the complement: KMT2C is on the minus strand). VCF-style: chr7-152180047-T-C. GRCh37 (hg19) VCF-style: chr7-151877132-T-C.
Other names: short protein forms D2410G.
Identifiers: ClinVar variation 4823489 (VCV004823489.4).

ClinVar aggregate classification (germline): Uncertain significance (1 of 4 stars; one submission).

Submission:

CeGaT Center for Human Genetics Tuebingen
Classification: Uncertain significance. Last evaluated: 2026-02-01. Review status: criteria provided, single submitter. Criteria: CeGaT Center For Human Genetics Tuebingen Variant Classification Criteria Version 2. Collection method: clinical testing. Allele origin: germline. Affected: yes. Observed: 1 variant allele.
Comment: KMT2C: PM2